The following is an entry in ClinVar:

NM_001134363.3(RBM20):c.1904C>A (p.Ser635Tyr)

Gene: RBM20 (RNA binding motif protein 20; plus strand). Cytogenetic location: 10q25.2.
Variant type: single nucleotide variant.
Coding change: c.1904C>A on transcript NM_001134363.3 (MANE Select); coding-DNA position 1904, C replaced by A.
Protein change: p.Ser635Tyr; replaces serine 635 with tyrosine.
Molecular consequence: missense variant.
Genome position (GRCh38, 1-based): chr10:110,812,301, C>A. VCF-style: chr10-110812301-C-A. GRCh37 (hg19) VCF-style: chr10-112572059-C-A.
Other names: short protein forms S635Y.
Identifiers: ClinVar variation 870084 (VCV000870084.6), dbSNP rs1114167331, ClinGen allele CA378370300.
Genomic context (GRCh38, chr10:110,812,301, plus strand): 5'-TGAAGATTCTAAATCCTGCTCCTTGGCTCCCTCACAGATATGGCCCAGAAAGGCCGCGGT[C>A]TCGTAGTCCGGTGAGCCGGTCACTCTCCCCGAGGTCCCACACTCCCAGCTTCACCTCCTG-3'
Protein context (NP_001127835.2, residues 625-645): ADRYGPERPR[Ser635Tyr]RSPVSRSLSP

ClinVar aggregate classification (germline): Conflicting classifications of pathogenicity. Review status: criteria provided, conflicting classifications (1 of 4 stars). 2 submissions from 2 submitters: Likely pathogenic (1); Uncertain significance (1). Last evaluated 2022-07-03.

Conditions:
Dilated cardiomyopathy 1DD (CMD1DD). Identifiers: Orphanet 154, MedGen C2750995, MONDO:0013168, OMIM 613172.

Submissions (2):

Labcorp Genetics (formerly Invitae), Labcorp
Classification: Uncertain significance for Dilated cardiomyopathy 1DD. Last evaluated: 2022-07-03. Review status: criteria provided, single submitter. Criteria: Invitae Variant Classification Sherloc (09022015). Collection method: clinical testing. Allele origin: germline.
Comment: This sequence change replaces serine, which is neutral and polar, with tyrosine, which is neutral and polar, at codon 635 of the RBM20 protein (p.Ser635Tyr). In summary, the available evidence is currently insufficient to determine the role of this variant in disease. Therefore, it has been classified as a Variant of Uncertain Significance. Advanced modeling of protein sequence and biophysical properties (such as structural, functional, and spatial information, amino acid conservation, physicochemical variation, residue mobility, and thermodynamic stability) performed at Invitae indicates that this missense variant is expected to disrupt RBM20 protein function. ClinVar contains an entry for this variant (Variation ID: 870084). This variant has not been reported in the literature in individuals affected with RBM20-related conditions. This variant is not present in population databases (gnomAD no frequency).

Agnes Ginges Centre for Molecular Cardiology, Centenary Institute
Classification: Likely pathogenic for Dilated cardiomyopathy 1DD. Last evaluated: 2018-05-01. Review status: criteria provided, single submitter. Criteria: ACMG Guidelines, 2015. Collection method: research. Allele origin: germline. Inheritance: Autosomal dominant inheritance. Affected: yes.
Comment: RBM20 Ser635Tyr has not been previously reported in any other cases and is absent in the Genome Aggregation Database. In silico tools, SIFT, MutationTaster and PolyPhen-2 predict the change to be deleterious. It is located in exon 9, a known hot-spot in DCM and another amino acid change at this position (Ser625Cys) has been classified as likely pathogenic. Based on the ACMG guidelines (Richards S, et al., 2015) this variant is located in a mutational 'hot-spot' (PM1), is rare in the general population (PM2), affects the same amino acid as another disease-causing variant (PM5) and in silico tools predict the variant to be disease-causing (PP3), therefore we classify RBM20 Ser635Tyr as 'likely pathogenic'.